The following is an entry in ClinVar:

ClinVar aggregate classification (germline): Uncertain significance (1 of 4 stars; one submission).

Conditions:
Hereditary cancer-predisposing syndrome. Also called: Neoplastic Syndromes, Hereditary; Tumor predisposition; Hereditary neoplastic syndrome; Hereditary Cancer Syndrome. Identifiers: Orphanet 140162, MedGen C0027672, MeSH D009386, MONDO:0015356.

Submission:

Ambry Genetics
Classification: Uncertain significance for Hereditary cancer-predisposing syndrome. Last evaluated: 2026-07-06. Review status: criteria provided, single submitter. Criteria: Ambry Variant Classification Scheme 2023. Collection method: clinical testing. Allele origin: germline.
Comment: The p.P1027H variant (also known as c.3080C>A), located in coding exon 21 of the PDGFRA gene, results from a C to A substitution at nucleotide position 3080. The proline at codon 1027 is replaced by histidine, an amino acid with similar properties. This amino acid position is conserved. In addition, the in silico prediction for this alteration is inconclusive. Based on the available evidence, the clinical significance of this variant remains unclear.

NM_006206.6(PDGFRA):c.3080C>A (p.Pro1027His)

Gene: PDGFRA (platelet derived growth factor receptor alpha; plus strand). Cytogenetic location: 4q12.
Variant type: single nucleotide variant.
Coding change: c.3080C>A on transcript NM_006206.6 (MANE Select); coding-DNA position 3080, C replaced by A.
Protein change: p.Pro1027His; replaces proline 1027 with histidine.
Molecular consequence: missense variant.
Genome position (GRCh38, 1-based): chr4:54,290,512, C>A. VCF-style: chr4-54290512-C-A. GRCh37 (hg19) VCF-style: chr4-55156679-C-A.
Other names: c.3155C>A, p.Pro1052His (NM_001347828.2); c.3080C>A, p.Pro1027His (NM_001347829.2); c.3119C>A, p.Pro1040His (NM_001347830.2); short protein forms P1052H, P1027H, P1040H.
Identifiers: ClinVar variation 5026417 (VCV005026417.1).